The following is an entry in ClinVar:

ClinVar aggregate classification (germline): Conflicting classifications of pathogenicity. Review status: criteria provided, conflicting classifications (1 of 4 stars). 13 submissions from 13 submitters: Uncertain significance (8); Benign (1); Likely benign (2). 2 of the submissions do not count toward it. Last evaluated 2026-01-30.

Conditions:
Hereditary cancer-predisposing syndrome. Also called: Tumor predisposition; Hereditary neoplastic syndrome; Neoplastic Syndromes, Hereditary; Hereditary Cancer Syndrome. Identifiers: Orphanet 140162, MedGen C0027672, MeSH D009386, MONDO:0015356.
Hereditary breast ovarian cancer syndrome. Also called: Hereditary breast and ovarian cancer syndrome; Hereditary breast and ovarian cancer; Hereditary breast and ovarian cancer syndrome (HBOC); Breast and ovarian cancer; BRCA1- and BRCA2-Associated Hereditary Breast and Ovarian Cancer; Hereditary breast and/or ovarian cancer syndrome. Identifiers: Orphanet 145, MedGen C0677776, MeSH D061325, MONDO:0003582. Disease mechanism: loss of function.
Breast-ovarian cancer, familial, susceptibility to, 2 (BROVCA2). Also called: BRCA2 Hereditary Breast and Ovarian Cancer. Identifiers: Orphanet 145, MedGen C2675520, MONDO:0012933, OMIM 612555. Disease mechanism: loss of function.

Submissions (13):

Labcorp Genetics (formerly Invitae), Labcorp
Classification: Uncertain significance for Hereditary breast ovarian cancer syndrome. Last evaluated: 2026-01-30. Review status: criteria provided, single submitter. Criteria: Invitae Variant Classification Sherloc (09022015). Collection method: clinical testing. Allele origin: germline.
Comment: This sequence change replaces aspartic acid, which is acidic and polar, with valine, which is neutral and non-polar, at codon 1737 of the BRCA2 protein (p.Asp1737Val). This variant is not present in population databases (gnomAD no frequency). This missense change has been observed in individual(s) with a personal and/or family history of breast, ovarian, or other cancers (PMID: 34413315). ClinVar contains an entry for this variant (Variation ID: 133729). Invitae Evidence Modeling of protein sequence and biophysical properties (such as structural, functional, and spatial information, amino acid conservation, physicochemical variation, residue mobility, and thermodynamic stability) indicates that this missense variant is not expected to disrupt BRCA2 protein function with a negative predictive value of 95%. Experimental studies have shown that this missense change does not substantially affect BRCA2 function (PMID: 32444794). In summary, the available evidence is currently insufficient to determine the role of this variant in disease. Therefore, it has been classified as a Variant of Uncertain Significance.

Molecular Diagnostics Laboratory, Catalan Institute of Oncology
Classification: Benign for Hereditary cancer-predisposing syndrome. Last evaluated: 2025-04-10. Review status: criteria provided, single submitter. Criteria: ClinGen BRCA1BRCA2 ACMG Specifications BRCA2 V1.0.0. Collection method: clinical testing. Allele origin: germline.
Comment: PM2_supporting, BS3, BP1_strong c.5210A>T, located in exon 11 of the BRCA2 gene, is predicted to result in the substitution of Aspartic Acid by Valine at codon 1737, p.(Asp1737Val). This position is outside a (potentially) clinically important functional domain and, moreover, the SpliceAI algorithm predicts no significant impact on splicing (BP1_strong). It is not present in the population database gnomAD v2.1.1, non cancer dataset (PM2_supporting). Reported by one calibrated study to affect protein function similar to benign control variants (PMID:32444794) (BS3). It has not been reported in a multifactorial analysis. In addition, the variant has been identified in the ClinVar* database (2x likely benign, 8x uncertain significance), and BRCA Exchange database (not yet reviewed), but it is not present in the LOVD database. Based on the currently available information, c.5210A>T is classified as a benign variant according to ClinGen-BRCA2 Guidelines version 1.0.0.

Hereditary Cancer Laboratory, Hospital Universitario 12 de Octubre
Classification: Uncertain significance for Hereditary cancer-predisposing syndrome. Last evaluated: 2025-03-19. Review status: criteria provided, single submitter. Criteria: ACMG Guidelines, 2015. Collection method: clinical testing. Allele origin: germline.
Comment: PM2+BP4

Center for Genomic Medicine, Rigshospitalet, Copenhagen University Hospital
Classification: Uncertain significance. Last evaluated: 2025-03-04. Review status: criteria provided, single submitter. Criteria: ACMG Guidelines, 2015. Collection method: clinical testing. Allele origin: germline.

Ambry Genetics
Classification: Uncertain significance for Hereditary cancer-predisposing syndrome. Last evaluated: 2024-12-25. Review status: criteria provided, single submitter. Criteria: Ambry Variant Classification Scheme 2023. Collection method: clinical testing. Allele origin: germline.
Comment: The p.D1737V variant (also known as c.5210A>T), located in coding exon 10 of the BRCA2 gene, results from an A to T substitution at nucleotide position 5210. The aspartic acid at codon 1737 is replaced by valine, an amino acid with highly dissimilar properties. This amino acid position is not well conserved in available vertebrate species. In addition, this alteration is predicted to be tolerated by in silico analysis. Since supporting evidence is limited at this time, the clinical significance of this alteration remains unclear.

Color Diagnostics, LLC DBA Color Health
Classification: Uncertain significance for Hereditary cancer-predisposing syndrome. Last evaluated: 2024-04-09. Review status: criteria provided, single submitter. Criteria: ACMG Guidelines, 2015. Collection method: clinical testing. Allele origin: germline.
Comment: This missense variant replaces aspartic acid with valine at codon 1737 of the BRCA2 protein. Computational prediction suggests that this variant may not impact protein structure and function. A functional study has reported that this variant does not impact BRCA2 function in the rescue of sensitivity to poly(ADP)-ribose polymerase inhibitors in BRCA2-deficient cells (PMID: 32444794). This variant has not been reported in individuals affected with hereditary cancer in the literature. This variant has not been identified in the general population by the Genome Aggregation Database (gnomAD). The available evidence is insufficient to determine the role of this variant in disease conclusively. Therefore, this variant is classified as a Variant of Uncertain Significance.

Myriad Genetics, Inc.
Classification: Likely benign for Breast-ovarian cancer, familial, susceptibility to, 2. Last evaluated: 2024-01-22. Review status: criteria provided, single submitter. Criteria: Myriad Autosomal Dominant, Autosomal Recessive and X-Linked Classification Criteria (2023). Collection method: clinical testing. Allele origin: unknown.
Comment: This variant is considered likely benign. This variant is strongly associated with less severe personal and family histories of cancer, typical for individuals without pathogenic variants in this gene [PMID: 25085752].

Quest Diagnostics Nichols Institute San Juan Capistrano
Classification: Uncertain significance. Last evaluated: 2023-09-18. Review status: criteria provided, single submitter. Criteria: Quest Diagnostics criteria. Collection method: clinical testing. Allele origin: unknown.
Comment: In the published literature, this variant has been reported in individuals with a hereditary breast and ovarian cancer (HBOC) syndrome related cancer (PMID: 34413315 (2021)). A single functional study has reported that this variant does not have a deleterious effect on BRCA2 protein function (PMID: 32444794 (2020)). This variant has not been reported in large, multi-ethnic general populations (Genome Aggregation Database). Analysis of this variant using bioinformatics tools for the prediction of the effect of amino acid changes on protein structure and function yielded predictions that this variant is benign. Based on the available information, we are unable to determine the clinical significance of this variant.

University of Washington Department of Laboratory Medicine, University of Washington
Classification: Likely benign for Hereditary cancer-predisposing syndrome. Last evaluated: 2023-03-23. Review status: criteria provided, single submitter. Criteria: Dines et al. (Genet Med. 2020). Collection method: curation. Allele origin: germline.
Comment: Missense variant in a coldspot region where missense variants are very unlikely to be pathogenic (PMID:31911673).

BRCA2 exon 11 coldspot. Reclassification based on statistical prior probability.

Women's Health and Genetics/Laboratory Corporation of America, LabCorp
Classification: Uncertain significance. Last evaluated: 2022-07-11. Review status: criteria provided, single submitter. Criteria: LabCorp Variant Classification Summary - May 2015. Collection method: clinical testing. Allele origin: germline.
Comment: Variant summary: BRCA2 c.5210A>T (p.Asp1737Val) results in a non-conservative amino acid change in the encoded protein sequence. Three of five in-silico tools predict a benign effect of the variant on protein function. The variant was absent in 248142 control chromosomes (gnomAD). The available data on variant occurrences in the general population are insufficient to allow any conclusion about variant significance. c.5210A>T has been reported in the literature as a VUS in a multigene setting in a cohort of individuals affected with breast and other cancers (e.g. Herzog_2021). These report(s) do not provide unequivocal conclusions about association of the variant with Hereditary Breast And Ovarian Cancer Syndrome. Experimental evidence found the variant had no damaging effect on normal protein function (Ikegami_2020). Six submitters have provided clinical-significance assessments for this variant to ClinVar after 2014 and all classified the variant as uncertain significance. Based on the evidence outlined above, the variant was classified as uncertain significance.

GeneDx
Classification: Uncertain significance. Last evaluated: 2016-08-30. Review status: criteria provided, single submitter. Criteria: GeneDx Variant Classification (06012015). Collection method: clinical testing. Allele origin: germline. Affected: yes.
Comment: This variant is denoted BRCA2 c.5210A>T at the cDNA level, p.Asp1737Val (D1737V) at the protein level, and results in the change of an Aspartic Acid to a Valine (GAT>GTT). Using alternate nomenclature this variant would be defined as BRCA2 5438A>T. Of note, the participants in this study were younger than 50 years old, thus the unaffected status of this individual may not be significant. BRCA2 Asp1737Val was not observed in approximately 6,500 individuals of European and African American ancestry in the NHLBI Exome Sequencing Project, suggesting it is not a common benign variant in these populations. Since Aspartic Acid and Valine differ in polarity, charge, size or other properties, this is considered a non-conservative amino acid substitution. BRCA2 Asp1737Val occurs at a position that is not conserved and is located in the RAD51 and POLH binding domains (Roy 2012, Buisson 2014). In silico analyses are inconsistent regarding the effect this variant may have on protein structure and function. Based on the currently available information, we consider BRCA2 Asp1737Val to be a variant of uncertain significance.

Counsyl
Classification: Uncertain significance for Breast-ovarian cancer, familial, susceptibility to, 2. Last evaluated: 2016-01-06. Review status: no assertion criteria provided. Collection method: clinical testing. Allele origin: unknown. Not counted in ClinVar's aggregate classification.

ITMI
No classification provided. Condition: AllHighlyPenetrant. Last evaluated: 2013-09-19. Review status: no classification provided. Collection method: reference population. Allele origin: germline. Not counted in ClinVar's aggregate classification.
Comment: Please see associated publication for description of ethnicities

Literature cited by the submitters: PubMed 34413315 (cited by 3 submitters); PubMed 32444794 (cited by 5 submitters); PubMed 24728327 (cited by 3 submitters); PubMed 25085752 (cited by Myriad Genetics, Inc.); PubMed 31911673 (cited by Quest Diagnostics Nichols Institute San Juan Capistrano).

NM_000059.4(BRCA2):c.5210A>T (p.Asp1737Val)

Gene: BRCA2 (BRCA2 DNA repair associated; plus strand). Cytogenetic location: 13q13.1.
Variant type: single nucleotide variant.
Coding change: c.5210A>T on transcript NM_000059.4 (MANE Select); coding-DNA position 5210, A replaced by T.
Protein change: p.Asp1737Val; replaces aspartic acid 1737 with valine.
Molecular consequence: missense variant.
Genome position (GRCh38, 1-based): chr13:32,339,565, A>T. VCF-style: chr13-32339565-A-T. GRCh37 (hg19) VCF-style: chr13-32913702-A-T.
Other names: p.D1737V:GAT>GTT; short protein forms D1737V.
Identifiers: ClinVar variation 133729 (VCV000133729.31), dbSNP rs587778120, ClinGen allele CA021701.